The following is an entry in ClinVar:

NM_004385.5(VCAN):c.3337A>G (p.Lys1113Glu)

Gene: VCAN (versican; plus strand). Cytogenetic location: 5q14.3.
Variant type: single nucleotide variant.
Coding change: c.3337A>G on transcript NM_004385.5 (MANE Select); coding-DNA position 3337, A replaced by G.
Protein change: p.Lys1113Glu; replaces lysine 1113 with glutamic acid.
Molecular consequence: missense variant. On other transcripts: intron variant (2).
Genome position (GRCh38, 1-based): chr5:83,521,643, A>G. VCF-style: chr5-83521643-A-G. GRCh37 (hg19) VCF-style: chr5-82817462-A-G.
Other names: c.3337A>G, p.Lys1113Glu (NM_001164098.2); c.1042+9247A>G (NM_001164097.2, NM_001126336.3); short protein forms K1113E.
Identifiers: ClinVar variation 1050559 (VCV001050559.1), dbSNP rs781031143, ClinGen allele CA3332993.

ClinVar aggregate classification (germline): Uncertain significance (0 of 4 stars; one submission).

Allele frequency attached by ClinVar (database versions not stated): gnomAD exomes below 0.00001; TOPMed below 0.00001; ExAC 0.00001; gnomAD 0.00001.
gnomAD v4.1: 2 of 1,613,822 alleles (0.00012%); highest among the groups gnomAD compares: Admixed American, 0.0017%; no homozygotes.

Submission:

Department of Pathology and Laboratory Medicine, Sinai Health System
Classification: Uncertain significance. Review status: no assertion criteria provided. Collection method: clinical testing. Allele origin: unknown. Affected: yes. Study: The Canadian Open Genetics Repository (COGR).
Comment: The VCAN p.Lys1113Glu variant was not identified in the literature nor was it identified in ClinVar or LOVD 3.0. The variant was identified in dbSNP (ID: rs781031143) and in control databases in 1 of 250586 chromosomes at a frequency of 0.000003991 (Genome Aggregation Database March 6, 2019, v2.1.1). The variant was observed in the Latino population in 1 of 34520 chromosomes (freq: 0.000029), but was not observed in the African, Ashkenazi Jewish, East Asian, European (Finnish), European (non-Finnish), Other, or South Asian populations. The p.Lys1113 residue is not conserved in mammals and computational analyses (PolyPhen-2, SIFT, AlignGVGD, BLOSUM, MutationTaster) do not suggest a high likelihood of impact to the protein; however, this information is not predictive enough to rule out pathogenicity. The variant occurs outside of the splicing consensus sequence and in silico or computational prediction software programs (SpliceSiteFinder, MaxEntScan, NNSPLICE, GeneSplicer) do not predict a difference in splicing. In summary, based on the above information the clinical significance of this variant cannot be determined with certainty at this time. This variant is classified as a variant of uncertain significance.